The following is an entry in ClinVar:

NM_002524.5(NRAS):c.478G>A (p.Val160Ile)

Gene: NRAS (NRAS proto-oncogene, GTPase; minus strand). Cytogenetic location: 1p13.2.
Variant type: single nucleotide variant.
Coding change: c.478G>A on transcript NM_002524.5 (MANE Select); coding-DNA position 478, G replaced by A.
Protein change: p.Val160Ile; replaces valine 160 with isoleucine.
Molecular consequence: missense variant.
Genome position (GRCh38, 1-based): chr1:114,708,627, C>T on the plus strand (G>A on the coding strand, the complement: NRAS is on the minus strand). VCF-style: chr1-114708627-C-T. GRCh37 (hg19) VCF-style: chr1-115251248-C-T.
Other names: short protein forms V160I.
Identifiers: ClinVar variation 1353931 (VCV001353931.7), dbSNP rs2101737856, ClinGen allele CA341738804.
Genomic context (GRCh38, chr1:114,708,627, plus strand): 5'-CCTGAGTCCCATCATCACTGCTGTTGAGTTTTTTCATTCGGTACTGGCGTATTTCTCTTA[C>T]CAGTGTGTAAAAAGCATCTTCAACACCCTATAAAAGGAAAAAATGAAAAAAAATGAGAGA-3'
Protein context (NP_002515.1, residues 150-170): QGVEDAFYTL[Val160Ile]REIRQYRMKK

ClinVar aggregate classification (germline): Uncertain significance. Review status: criteria provided, multiple submitters, no conflicts (2 of 4 stars). 2 submissions from 2 submitters: Uncertain significance (2). Last evaluated 2021-11-27.

Conditions:
RASopathy. Also called: rasopathies; Noonan spectrum disorder. Identifiers: Orphanet 536391, MedGen C5555857, MONDO:0021060.

Submissions (2):

Labcorp Genetics (formerly Invitae), Labcorp
Classification: Uncertain significance for RASopathy. Last evaluated: 2021-11-27. Review status: criteria provided, single submitter. Criteria: Invitae Variant Classification Sherloc (09022015). Collection method: clinical testing. Allele origin: germline.
Comment: In summary, the available evidence is currently insufficient to determine the role of this variant in disease. Therefore, it has been classified as a Variant of Uncertain Significance. Algorithms developed to predict the effect of missense changes on protein structure and function are either unavailable or do not agree on the potential impact of this missense change (SIFT: "Deleterious"; PolyPhen-2: "Probably Damaging"; Align-GVGD: "Class C0"). This variant has not been reported in the literature in individuals affected with NRAS-related conditions. This variant is not present in population databases (gnomAD no frequency). This sequence change replaces valine, which is neutral and non-polar, with isoleucine, which is neutral and non-polar, at codon 160 of the NRAS protein (p.Val160Ile).

GeneDx
Classification: Uncertain significance. Last evaluated: 2021-10-26. Review status: criteria provided, single submitter. Criteria: GeneDx Variant Classification Process June 2021. Collection method: clinical testing. Allele origin: germline. Affected: yes.
Comment: Not observed at significant frequency in large population cohorts (gnomAD); Missense variants in this gene are often considered pathogenic (HGMD); In silico analysis supports that this missense variant does not alter protein structure/function; Has not been previously published as pathogenic or benign to our knowledge.